The following is an entry in ClinVar:

NM_017617.5(NOTCH1):c.6812C>T (p.Pro2271Leu)

Gene: NOTCH1 (notch receptor 1; minus strand). Cytogenetic location: 9q34.3.
Variant type: single nucleotide variant.
Coding change: c.6812C>T on transcript NM_017617.5 (MANE Select); coding-DNA position 6812, C replaced by T.
Protein change: p.Pro2271Leu; replaces proline 2271 with leucine.
Molecular consequence: missense variant.
Genome position (GRCh38, 1-based): chr9:136,496,927, G>A on the plus strand (C>T on the coding strand, the complement: NOTCH1 is on the minus strand). VCF-style: chr9-136496927-G-A. GRCh37 (hg19) VCF-style: chr9-139391379-G-A.
Other names: short protein forms P2271L.
Identifiers: ClinVar variation 1473560 (VCV001473560.7), dbSNP rs1223321022, ClinGen allele CA375630223.

ClinVar aggregate classification (germline): Uncertain significance. Review status: criteria provided, multiple submitters, no conflicts (2 of 4 stars). 2 submissions from 2 submitters: Uncertain significance (2). Last evaluated 2024-02-13.

Conditions:
Adams-Oliver syndrome 5 (AOS5). Identifiers: Orphanet 974, MedGen C4014970, MONDO:0014459, OMIM 616028.

Allele frequency attached by ClinVar (database versions not stated): TOPMed below 0.00001; gnomAD 0.00001.
gnomAD v4.1: 1 of 1,612,224 alleles (0.000062%); highest among the groups gnomAD compares: Non-Finnish European, 0.000085%; no homozygotes.

Submissions (2):

Clinical Genetics Laboratory, Skane University Hospital Lund
Classification: Uncertain significance. Last evaluated: 2024-02-13. Review status: criteria provided, single submitter. Criteria: ACMG Guidelines, 2015. Collection method: clinical testing. Allele origin: germline. Affected: yes.

Labcorp Genetics (formerly Invitae), Labcorp
Classification: Uncertain significance for Adams-Oliver syndrome 5. Last evaluated: 2021-11-04. Review status: criteria provided, single submitter. Criteria: Invitae Variant Classification Sherloc (09022015). Collection method: clinical testing. Allele origin: germline.
Comment: Advanced modeling of protein sequence and biophysical properties (such as structural, functional, and spatial information, amino acid conservation, physicochemical variation, residue mobility, and thermodynamic stability) performed at Invitae indicates that this missense variant is not expected to disrupt NOTCH1 protein function. In summary, the available evidence is currently insufficient to determine the role of this variant in disease. Therefore, it has been classified as a Variant of Uncertain Significance. This variant has not been reported in the literature in individuals affected with NOTCH1-related conditions. This variant is not present in population databases (gnomAD no frequency). This sequence change replaces proline, which is neutral and non-polar, with leucine, which is neutral and non-polar, at codon 2271 of the NOTCH1 protein (p.Pro2271Leu).